The following is an entry in ClinVar:

NM_000264.5(PTCH1):c.2866A>C (p.Met956Leu)

Gene: PTCH1 (patched 1; minus strand). Cytogenetic location: 9q22.32.
Variant type: single nucleotide variant.
Coding change: c.2866A>C on transcript NM_000264.5 (MANE Select); coding-DNA position 2866, A replaced by C.
Protein change: p.Met956Leu; replaces methionine 956 with leucine.
Molecular consequence: missense variant. On other transcripts: non-coding transcript variant (1).
Genome position (GRCh38, 1-based): chr9:95,459,621, T>G on the plus strand (A>C on the coding strand, the complement: PTCH1 is on the minus strand). VCF-style: chr9-95459621-T-G. GRCh37 (hg19) VCF-style: chr9-98221903-T-G.
Other names: c.2668A>C, p.Met890Leu (NM_001083602.3); c.2863A>C, p.Met955Leu (NM_001083603.3); c.2413A>C, p.Met805Leu (NM_001083604.3, NM_001083605.3, NM_001083606.3 and 1 more transcripts); c.2710A>C, p.Met904Leu (NM_001354918.2); short protein forms M890L, M904L, M955L, M805L, M956L.
Identifiers: ClinVar variation 3784686 (VCV003784686.1).

ClinVar aggregate classification (germline): Uncertain significance (1 of 4 stars; one submission).

Conditions:
Hereditary cancer-predisposing syndrome. Also called: Neoplastic Syndromes, Hereditary; Hereditary Cancer Syndrome; Tumor predisposition; Hereditary neoplastic syndrome. Identifiers: Orphanet 140162, MedGen C0027672, MeSH D009386, MONDO:0015356.

Submission:

Ambry Genetics
Classification: Uncertain significance for Hereditary cancer-predisposing syndrome. Last evaluated: 2025-03-10. Review status: criteria provided, single submitter. Criteria: Ambry Variant Classification Scheme 2023. Collection method: clinical testing. Allele origin: germline.
Comment: The p.M956L variant (also known as c.2866A>C), located in coding exon 17 of the PTCH1 gene, results from an A to C substitution at nucleotide position 2866. The methionine at codon 956 is replaced by leucine, an amino acid with highly similar properties. This amino acid position is conserved. In addition, the in silico prediction for this alteration is inconclusive. Based on the available evidence, the clinical significance of this variant remains unclear.